The following is an entry in ClinVar:

NM_001205293.3(CACNA1E):c.372+8A>G

Gene: CACNA1E (calcium voltage-gated channel subunit alpha1 E; plus strand). Cytogenetic location: 1q25.3.
Variant type: single nucleotide variant.
Coding change: c.372+8A>G on transcript NM_001205293.3 (MANE Select); 8 bases into the intron after coding-DNA position 372, A replaced by G.
Molecular consequence: intron variant.
Genome position (GRCh38, 1-based): chr1:181,510,590, A>G. VCF-style: chr1-181510590-A-G. GRCh37 (hg19) VCF-style: chr1-181479726-A-G.
Other names: c.372+8A>G (NM_000721.4, NM_001205294.2).
Identifiers: ClinVar variation 2190155 (VCV002190155.9), dbSNP rs371340845, ClinGen allele CA1274885.

ClinVar aggregate classification (germline): Likely benign. Review status: criteria provided, multiple submitters, no conflicts (2 of 4 stars). 3 submissions from 3 submitters: Likely benign (3). Last evaluated 2026-03-01.

Allele frequency attached by ClinVar (database versions not stated): gnomAD 0.00003; gnomAD exomes 0.00004; TOPMed 0.00006; ExAC 0.00008; ESP Exome Variant Server 0.00008.
gnomAD v4.1: 59 of 1,541,060 alleles (0.0038%); highest among the groups gnomAD compares: Non-Finnish European, 0.0048%; no homozygotes.

Submissions (3):

CeGaT Center for Human Genetics Tuebingen
Classification: Likely benign. Last evaluated: 2026-03-01. Review status: criteria provided, single submitter. Criteria: CeGaT Center For Human Genetics Tuebingen Variant Classification Criteria Version 2. Collection method: clinical testing. Allele origin: germline. Affected: yes. Observed: 1 variant allele.
Comment: CACNA1E: BP4

Labcorp Genetics (formerly Invitae), Labcorp
Classification: Likely benign. Last evaluated: 2025-09-16. Review status: criteria provided, single submitter. Criteria: Invitae Variant Classification Sherloc (09022015). Collection method: clinical testing. Allele origin: germline.

Blueprint Genetics
Classification: Likely benign. Last evaluated: 2024-10-29. Review status: criteria provided, single submitter. Criteria: ACMG Guidelines, 2015. Collection method: clinical testing. Allele origin: germline.